The following is an entry in ClinVar:

NM_001276345.2(TNNT2):c.793A>C (p.Lys265Gln)

Gene: TNNT2 (troponin T2, cardiac type; minus strand). Cytogenetic location: 1q32.1.
Variant type: single nucleotide variant.
Coding change: c.793A>C on transcript NM_001276345.2 (MANE Select); coding-DNA position 793, A replaced by C.
Protein change: p.Lys265Gln; replaces lysine 265 with glutamine.
Molecular consequence: missense variant.
Genome position (GRCh38, 1-based): chr1:201,361,296, T>G on the plus strand (A>C on the coding strand, the complement: TNNT2 is on the minus strand). VCF-style: chr1-201361296-T-G. GRCh37 (hg19) VCF-style: chr1-201330424-T-G.
Other names: c.784A>C, p.Lys262Gln (NM_000364.4, NM_001406723.1); c.763A>C, p.Lys255Gln (NM_001001430.3, NM_001276347.2, NM_001406724.1); c.754A>C, p.Lys252Gln (NM_001001431.3, NM_001406726.1, NM_001406727.1); c.745A>C, p.Lys249Gln (NM_001001432.3); c.664A>C, p.Lys222Gln (NM_001276346.2); c.760A>C, p.Lys254Gln (NM_001406725.1); c.748A>C, p.Lys250Gln (NM_001406728.1); short protein forms K222Q, K249Q, K250Q, K252Q, K254Q, K255Q, K262Q, K265Q.
Identifiers: ClinVar variation 3073863 (VCV003073863.1), dbSNP rs2526923137, ClinGen allele CA344202592.

ClinVar aggregate classification (germline): Uncertain significance (1 of 4 stars; one submission).

Conditions:
Cardiomyopathy (CMYO). Also called: Cardiomyopathies. Identifiers: Orphanet 167848, MedGen C0878544, MONDO:0004994, HP:0001638. Inheritance: Various modes of inheritance.

Submission:

All of Us Research Program, National Institutes of Health
Classification: Uncertain significance for Cardiomyopathy. Last evaluated: 2023-11-30. Review status: criteria provided, single submitter. Criteria: ACMG Guidelines, 2015. Collection method: clinical testing. Allele origin: germline. Inheritance: Autosomal dominant inheritance. Observed: 1 variant allele, 1 heterozygote.
Comment: This study involves interpretation of variants in research participants for the purpose of population health screening. Participant phenotype was not available at the time of variant classification. Additional details can be found in publication PMID: 35346344, PMCID: PMC8962531